The following is an entry in ClinVar:

NM_001399.5(EDA):c.1163C>A (p.Ala388Asp)

Gene: EDA (ectodysplasin A; plus strand). Cytogenetic location: Xq13.1.
Variant type: single nucleotide variant.
Coding change: c.1163C>A on transcript NM_001399.5 (MANE Select); coding-DNA position 1163, C replaced by A.
Protein change: p.Ala388Asp; replaces alanine 388 with aspartic acid.
Molecular consequence: missense variant.
Genome position (GRCh38, 1-based): chrX:70,035,596, C>A. VCF-style: chrX-70035596-C-A. GRCh37 (hg19) VCF-style: chrX-69255446-C-A.
Other names: c.1157C>A, p.Ala386Asp (NM_001005609.2); c.1148C>A, p.Ala383Asp (NM_001005612.3); short protein forms A388D, A386D, A383D.
Identifiers: ClinVar variation 1436848 (VCV001436848.8), dbSNP rs755527924, ClinGen allele CA10439058.

ClinVar aggregate classification (germline): Uncertain significance (1 of 4 stars; one submission).

Conditions:
Hypohidrotic X-linked ectodermal dysplasia (XHED). Also called: ECTODERMAL DYSPLASIA 1; ECTODERMAL DYSPLASIA, HYPOHIDROTIC, 1; CST SYNDROME; Anhidrotic ectodermal dysplasia X-linked; Christ Siemens Touraine syndrome; ECTODERMAL DYSPLASIA 1, HYPOHIDROTIC/HAIR/TOOTH TYPE, X-LINKED. Identifiers: Orphanet 181, Orphanet 238468, MedGen C0162359, MONDO:0010585, OMIM 305100.

Allele frequency attached by ClinVar (database versions not stated): ExAC 0.00001; gnomAD exomes 0.00001; 1000 Genomes Project 30x 0.00021; 1000 Genomes Project 0.00026.

Submission:

Labcorp Genetics (formerly Invitae), Labcorp
Classification: Uncertain significance for Hypohidrotic X-linked ectodermal dysplasia. Last evaluated: 2021-08-11. Review status: criteria provided, single submitter. Criteria: Invitae Variant Classification Sherloc (09022015). Collection method: clinical testing. Allele origin: germline.
Comment: In summary, the available evidence is currently insufficient to determine the role of this variant in disease. Therefore, it has been classified as a Variant of Uncertain Significance. This sequence change replaces alanine with aspartic acid at codon 388 of the EDA protein (p.Ala388Asp). The alanine residue is highly conserved and there is a moderate physicochemical difference between alanine and aspartic acid. This variant is present in population databases (rs755527924, ExAC 0.01%). This variant has not been reported in the literature in individuals affected with EDA-related conditions. Advanced modeling of protein sequence and biophysical properties (such as structural, functional, and spatial information, amino acid conservation, physicochemical variation, residue mobility, and thermodynamic stability) performed at Invitae indicates that this missense variant is expected to disrupt EDA protein function.